The following is an entry in ClinVar:

ClinVar aggregate classification (germline): Pathogenic. Review status: criteria provided, multiple submitters, no conflicts (2 of 4 stars). 3 submissions from 3 submitters: Pathogenic (3). Last evaluated 2020-12-30.

Conditions:
Hereditary nonpolyposis colorectal neoplasms. Identifiers: MedGen C0009405, MeSH D003123.
Hereditary cancer-predisposing syndrome. Also called: Tumor predisposition; Hereditary neoplastic syndrome; Neoplastic Syndromes, Hereditary; Hereditary Cancer Syndrome. Identifiers: Orphanet 140162, MedGen C0027672, MeSH D009386, MONDO:0015356.
Hereditary nonpolyposis colon cancer (HNPCC). Also called: Hereditary Nonpolyposis Colorectal Cancer Syndrome; Hereditary nonpolyposis colorectal cancer; Familial nonpolyposis colon cancer. Identifiers: Orphanet 443909, MedGen C1333990, MONDO:0018630. Disease mechanism: loss of function.

Submissions (3):

Women's Health and Genetics/Laboratory Corporation of America, LabCorp
Classification: Pathogenic for Hereditary nonpolyposis colon cancer. Last evaluated: 2020-12-30. Review status: criteria provided, single submitter. Criteria: LabCorp Variant Classification Summary - May 2015. Collection method: clinical testing. Allele origin: germline.
Comment: Variant summary: PMS2 c.1515delG (p.Phe506SerfsX89) results in a premature termination codon, predicted to cause a truncation of the encoded protein or absence of the protein due to nonsense mediated decay, which are commonly known mechanisms for disease. Truncations downstream of this position have been classified as pathogenic by our laboratory. The variant was absent in 251368 control chromosomes (gnomAD). c.1515delG has been reported in the literature in one homozygous individual affected with constitutional mismatch repair deficiency (Tesch_2018). These data indicate that the variant may be associated with disease. To our knowledge, no experimental evidence demonstrating an impact on protein function has been reported. Two ClinVar submitters (evaluation after 2014) cite the variant as pathogenic. Based on the evidence outlined above, the variant was classified as pathogenic.

Labcorp Genetics (formerly Invitae), Labcorp
Classification: Pathogenic for Hereditary nonpolyposis colorectal neoplasms. Last evaluated: 2020-06-30. Review status: criteria provided, single submitter. Criteria: Invitae Variant Classification Sherloc (09022015). Collection method: clinical testing. Allele origin: germline.
Comment: For these reasons, this variant has been classified as Pathogenic. Loss-of-function variants in PMS2 are known to be pathogenic (PMID: 21376568, 24362816). This variant has been observed to be homozygous in an individual affected with constitutional mismatch repair deficiency syndrome (PMID: 30013564). ClinVar contains an entry for this variant (Variation ID: 819374). This variant is not present in population databases (ExAC no frequency). This sequence change creates a premature translational stop signal (p.Phe506Serfs*89) in the PMS2 gene. It is expected to result in an absent or disrupted protein product.

Ambry Genetics
Classification: Pathogenic for Hereditary cancer-predisposing syndrome. Last evaluated: 2019-09-10. Review status: criteria provided, single submitter. Criteria: Ambry Variant Classification Scheme 2023. Collection method: clinical testing. Allele origin: germline.
Comment: The c.1515delG pathogenic mutation, located in coding exon 11 of the PMS2 gene, results from a deletion of one nucleotide at nucleotide position 1515, causing a translational frameshift with a predicted alternate stop codon (p.F506Sfs*89). An individual with Constitutional Mismatch Repair Deficiency (CMMRD) was homozygous for this alteration (Tesch VK et al. Front Immunol. 2018 Jul;9:1506). In addition to the clinical data presented in the literature, this alteration is expected to result in loss of function by premature protein truncation or nonsense-mediated mRNA decay. As such, this alteration is interpreted as a disease-causing mutation.

Literature cited by the submitters: PubMed 30013564 (cited by 3 submitters); PubMed 30740824 (cited by Women's Health and Genetics/Laboratory Corporation of America, LabCorp); PubMed 31494577 (cited by Women's Health and Genetics/Laboratory Corporation of America, LabCorp); PubMed 21376568 (cited by Labcorp Genetics (formerly Invitae), Labcorp); PubMed 24362816 (cited by Labcorp Genetics (formerly Invitae), Labcorp).

NM_000535.7(PMS2):c.1515del (p.Phe506fs)

Gene: PMS2 (PMS1 homolog 2, mismatch repair system component; minus strand). Cytogenetic location: 7p22.1.
Variant type: Deletion.
Coding change: c.1515del on transcript NM_000535.7 (MANE Select); coding-DNA position 1515, one base deleted (G; older notation c.1515delG).
Protein change: p.Phe506fs; shifts the reading frame from phenylalanine 506.
Molecular consequence: frameshift variant. On other transcripts: non-coding transcript variant (1).
Genome position (GRCh38, 1-based): chr7:5,987,250, C deleted on the plus strand (G on the coding strand, the reverse complement: PMS2 is on the minus strand); the first of 4 consecutive C bases (chr7:5,987,250-5,987,253); deleting any one gives the same sequence. VCF-style (leftmost placement, unchanged base first): chr7-5987249-AC-A. GRCh37 (hg19) VCF-style: chr7-6026880-AC-A.
Other names: c.1515del (NM_000535.5); c.1110del, p.Phe371fs (NM_001322003.2, NM_001322004.2, NM_001322005.2 and 1 more transcripts); c.1359del, p.Phe454fs (NM_001322006.2); c.1197del, p.Phe400fs (NM_001322007.2, NM_001322008.2); c.954del, p.Phe319fs (NM_001322010.2); c.582del, p.Phe195fs (NM_001322011.2, NM_001322012.2); c.942del, p.Phe315fs (NM_001322013.2); c.1515del, p.Phe506fs (NM_001322014.2); and 1 more; short protein forms F195fs, F506fs, F403fs, F371fs, F400fs, F454fs, F315fs, F319fs.
Identifiers: ClinVar variation 819374 (VCV000819374.15), dbSNP rs1583319050, ClinGen allele CA915944867.